The following is an entry in ClinVar:

ClinVar aggregate classification (germline): Likely benign. Review status: criteria provided, multiple submitters, no conflicts (2 of 4 stars). 3 submissions from 3 submitters: Likely benign (2). 1 of the submissions does not count toward it. Last evaluated 2025-10-01.

Conditions:
PRR12-related disorder. Also called: PRR12-related condition.

Allele frequency attached by ClinVar (database versions not stated): 1000 Genomes Project 0.00180; ESP Exome Variant Server 0.00186; 1000 Genomes Project 30x 0.00187.
gnomAD v4.1: 4,394 of 1,556,544 alleles (0.28%); highest among the groups gnomAD compares: Middle Eastern, 0.55%; 13 homozygotes.

Submissions (3):

CeGaT Center for Human Genetics Tuebingen
Classification: Likely benign. Last evaluated: 2025-10-01. Review status: criteria provided, single submitter. Criteria: CeGaT Center For Human Genetics Tuebingen Variant Classification Criteria Version 2. Collection method: clinical testing. Allele origin: germline. Affected: yes. Observed: 3 variant alleles.
Comment: PRR12: BS1

Blueprint Genetics
Classification: Likely benign. Last evaluated: 2024-11-27. Review status: criteria provided, single submitter. Criteria: ACMG Guidelines, 2015. Collection method: clinical testing. Allele origin: germline.

PreventionGenetics, part of Exact Sciences
Classification: Benign for PRR12-related condition. Last evaluated: 2019-03-14. Review status: no assertion criteria provided. Collection method: clinical testing. Allele origin: germline. Not counted in ClinVar's aggregate classification.
Comment: This variant is classified as benign based on ACMG/AMP sequence variant interpretation guidelines (Richards et al. 2015 PMID: 25741868, with internal and published modifications).

NM_020719.3(PRR12):c.5314G>T (p.Ala1772Ser)

Gene: PRR12 (proline rich 12; plus strand). Cytogenetic location: 19q13.33.
Variant type: single nucleotide variant.
Coding change: c.5314G>T on transcript NM_020719.3 (MANE Select); coding-DNA position 5314, G replaced by T.
Protein change: p.Ala1772Ser; replaces alanine 1772 with serine.
Molecular consequence: missense variant.
Genome position (GRCh38, 1-based): chr19:49,616,036, G>T. VCF-style: chr19-49616036-G-T. GRCh37 (hg19) VCF-style: chr19-50119293-G-T.
Other names: c.5314G>T (NM_020719.2); short protein forms A1772S.
Identifiers: ClinVar variation 2650270 (VCV002650270.26), dbSNP rs189469394, ClinGen allele CA9578667.